The following is an entry in ClinVar:

NM_000090.4(COL3A1):c.1392dup (p.Gly465fs)

Gene: COL3A1 (collagen type III alpha 1 chain; plus strand). Cytogenetic location: 2q32.2.
Variant type: Duplication.
Coding change: c.1392dup on transcript NM_000090.4 (MANE Select); coding-DNA position 1392, one base duplicated (T; older notation c.1392dupT).
Protein change: p.Gly465fs; shifts the reading frame from glycine 465.
Molecular consequence: frameshift variant.
Genome position (GRCh38, 1-based): chr2:188,994,768, T duplicated. VCF-style (leftmost placement, unchanged base first): chr2-188994767-A-AT. GRCh37 (hg19) VCF-style: chr2-189859493-A-AT.
Other names: short protein forms G465fs.
Identifiers: ClinVar variation 3658736 (VCV003658736.2).
Genomic context (GRCh38, chr2:188,994,767, plus strand): 5'-TCTTTTTTTTTTTTCAGGGTGAGGCTGGTATTCCAGGTGTTCCAGGAGCTAAAGGCGAAG[A>AT]TGGCAAGGATGGATCACCTGGAGAACCTGGTGCAAATGGGCTTCCAGGAGCTGCAGGAGA-3'

ClinVar aggregate classification (germline): Pathogenic (1 of 4 stars; one submission).

Conditions:
Ehlers-Danlos syndrome, type 4 (EDSVASC). Also called: Ehlers-Danlos syndrome vascular type; Ehlers Danlos syndrome, ecchymotic type; Ehlers Danlos syndrome, arterial type; Ehlers Danlos syndrome, Sack-Barabas type; Ehlers-Danlos Syndrome Type IV. Identifiers: Orphanet 286, MedGen C0268338, MONDO:0017314, OMIM 130050.

Submission:

Labcorp Genetics (formerly Invitae), Labcorp
Classification: Pathogenic for Ehlers-Danlos syndrome, type 4. Last evaluated: 2026-02-02. Review status: criteria provided, single submitter. Criteria: Invitae Variant Classification Sherloc (09022015). Collection method: clinical testing. Allele origin: germline.
Comment: This sequence change creates a premature translational stop signal (p.Gly465Trpfs*84) in the COL3A1 gene. It is expected to result in an absent or disrupted protein product. Loss-of-function variants in COL3A1 are known to be pathogenic (PMID: 24922459). This variant is not present in population databases (gnomAD no frequency). This variant has not been reported in the literature in individuals affected with COL3A1-related conditions. ClinVar contains an entry for this variant (Variation ID: 3658736). For these reasons, this variant has been classified as Pathogenic.

Literature cited by the submitters: PubMed 24922459.